The following is an entry in ClinVar:

ClinVar aggregate classification (germline): Likely benign. Review status: criteria provided, multiple submitters, no conflicts (2 of 4 stars). 2 submissions from 2 submitters: Likely benign (2). Last evaluated 2025-08-19.

Conditions:
BBS12-related disorder. Also called: BBS12-related condition.
Bardet-Biedl syndrome (BBS). Identifiers: Orphanet 110, MedGen C0752166, MONDO:0015229.

Submissions (2):

PreventionGenetics, part of Exact Sciences
Classification: Likely benign for BBS12-related condition. Last evaluated: 2025-08-19. Review status: criteria provided, single submitter. Criteria: ACMG Guidelines, 2015. Collection method: clinical testing. Allele origin: germline.
Comment: This variant is classified as likely benign based on ACMG/AMP sequence variant interpretation guidelines (Richards et al. 2015 PMID: 25741868, with internal and published modifications).

Labcorp Genetics (formerly Invitae), Labcorp
Classification: Likely benign for Bardet-Biedl syndrome. Last evaluated: 2023-09-12. Review status: criteria provided, single submitter. Criteria: Invitae Variant Classification Sherloc (09022015). Collection method: clinical testing. Allele origin: germline.

NM_152618.3(BBS12):c.1482A>G (p.Thr494=)

Gene: BBS12 (Bardet-Biedl syndrome 12; plus strand). Cytogenetic location: 4q27.
Variant type: single nucleotide variant.
Coding change: c.1482A>G on transcript NM_152618.3 (MANE Select); coding-DNA position 1482, A replaced by G.
Protein change: p.Thr494=; no amino-acid change (threonine 494 retained).
Molecular consequence: synonymous variant.
Genome position (GRCh38, 1-based): chr4:122,743,374, A>G. VCF-style: chr4-122743374-A-G. GRCh37 (hg19) VCF-style: chr4-123664529-A-G.
Other names: c.1482A>G (NM_152618.2); c.1482A>G, p.Thr494= (NM_001178007.2).
Identifiers: ClinVar variation 1569730 (VCV001569730.9), dbSNP rs1460811850, ClinGen allele CA441121183.